The following is an entry in ClinVar:

ClinVar aggregate classification (germline): Uncertain significance. Review status: criteria provided, multiple submitters, no conflicts (2 of 4 stars). 2 submissions from 2 submitters: Uncertain significance (2). Last evaluated 2025-06-13.

Conditions:
Inborn genetic diseases. Identifiers: MedGen C0950123, MeSH D030342.
KIDINS220-related disorder. Also called: KIDINS220-related condition.

gnomAD v4.1: 5 of 1,614,110 alleles (0.00031%); highest among the groups gnomAD compares: East Asian, 0.0022%; no homozygotes.

Submissions (2):

PreventionGenetics, part of Exact Sciences
Classification: Uncertain significance for KIDINS220-related condition. Last evaluated: 2025-06-13. Review status: criteria provided, single submitter. Criteria: ACMG Guidelines, 2015. Collection method: clinical testing. Allele origin: germline.
Comment: The KIDINS220 c.1676T>C variant is predicted to result in the amino acid substitution p.Val559Ala. To our knowledge, this variant has not been reported in the literature. This variant is reported in 0.0056% of alleles in individuals of East Asian descent in gnomAD. At this time, the clinical significance of this variant is uncertain due to the absence of conclusive functional and genetic evidence.

Ambry Genetics
Classification: Uncertain significance for Inborn genetic diseases. Last evaluated: 2024-05-24. Review status: criteria provided, single submitter. Criteria: Ambry Variant Classification Scheme 2023. Collection method: clinical testing. Allele origin: germline.

NM_020738.4(KIDINS220):c.1676T>C (p.Val559Ala)

Gene: KIDINS220 (kinase D interacting substrate 220; minus strand). Cytogenetic location: 2p25.1.
Variant type: single nucleotide variant.
Coding change: c.1676T>C on transcript NM_020738.4 (MANE Select); coding-DNA position 1676, T replaced by C.
Protein change: p.Val559Ala; replaces valine 559 with alanine.
Molecular consequence: missense variant. On other transcripts: non-coding transcript variant (2).
Genome position (GRCh38, 1-based): chr2:8,788,758, A>G on the plus strand (T>C on the coding strand, the complement: KIDINS220 is on the minus strand). VCF-style: chr2-8788758-A-G. GRCh37 (hg19) VCF-style: chr2-8928888-A-G.
Other names: c.1679T>C, p.Val560Ala (NM_001348729.2, NM_001348731.2, NM_001348734.2 and 3 more transcripts); c.1676T>C, p.Val559Ala (NM_001348732.2, NM_001348735.2, NM_001348738.2 and 3 more transcripts); c.1550T>C, p.Val517Ala (NM_001348736.2); short protein forms V560A, V517A, V559A.
Identifiers: ClinVar variation 3288240 (VCV003288240.2).